The following is an entry in ClinVar:

ClinVar aggregate classification (germline): Conflicting classifications of pathogenicity. Review status: criteria provided, conflicting classifications (1 of 4 stars). 7 submissions from 7 submitters: Likely pathogenic (1); Uncertain significance (4); Benign (1). 1 of the submissions does not count toward it. Last evaluated 2026-01-28.

Conditions:
CTRC-related disorder. Also called: CTRC-related condition.
Hereditary pancreatitis (PCTT). Also called: Hereditary chronic pancreatitis; PRSS1-Related Hereditary Pancreatitis. Identifiers: Orphanet 676, MedGen C0238339, MONDO:0008185, OMIM 167800.

Allele frequency attached by ClinVar (database versions not stated): gnomAD 0.00194; 1000 Genomes Project 30x 0.00203; ESP Exome Variant Server 0.00208; TOPMed 0.00233; 1000 Genomes Project 0.00180.
gnomAD v4.1: 642 of 1,613,514 alleles (0.04%); highest among the groups gnomAD compares: African/African-American, 0.69%; 4 homozygotes.

Submissions (7):

Labcorp Genetics (formerly Invitae), Labcorp
Classification: Benign for Hereditary pancreatitis. Last evaluated: 2026-01-28. Review status: criteria provided, single submitter. Criteria: Invitae Variant Classification Sherloc (09022015). Collection method: clinical testing. Allele origin: germline.

Ambry Genetics
Classification: Uncertain significance for Hereditary pancreatitis. Last evaluated: 2025-10-08. Review status: criteria provided, single submitter. Criteria: Ambry Variant Classification Scheme 2023. Collection method: clinical testing. Allele origin: germline.
Comment: The c.640-12G>A intronic alteration consists of a G to A substitution 12 nucleotides before exon 7 (coding exon 7) of the CTRC gene. Based on data from gnomAD, the A allele has an overall frequency of 0.07% (197/282392) total alleles studied. The highest observed frequency was 0.65% (162/24920) of African alleles. This variant was reported in individuals with acute recurrent or chronic pancreatitis (LaRusch, 2015; Masson, 2015; Giefer, 2017). This nucleotide position is not well conserved in available vertebrate species. RNA studies have demonstrated that this variant results in partial intron retention; however, the clinical impact of this abnormal splicing is unknown (Masson, 2015). In silico splice site analysis predicts that this alteration may weaken the native splice acceptor site and will result in the creation or strengthening of a novel splice acceptor site. Based on insufficient or conflicting evidence, the clinical significance of this alteration remains unclear.

ARUP Laboratories, Molecular Genetics and Genomics, ARUP Laboratories
Classification: Likely pathogenic for Hereditary pancreatitis. Last evaluated: 2025-05-28. Review status: criteria provided, single submitter. Criteria: ARUP Molecular Germline Variant Investigation Process 2024. Collection method: clinical testing. Allele origin: germline.
Comment: The CTRC c.640-12G>A variant (rs183053579) is reported in the literature in multiple individuals affected with pancreatitis (Giefer 2017, LaRusch 2015, Masson 2015). Functional characterization of patient mRNA indicates that the variant leads to the inclusion of 10 nucleotides from intron 6, potentially introducing a frameshift in the translated protein (Masson 2015). This variant is reported in ClinVar (Variation ID: 439575), and is found in the African population with an allele frequency of 0.65% (162/24,920 alleles, including a single homozygote) in the Genome Aggregation Database (v2.1.1). This is an intronic variant, but computational analyses (Alamut v1.5.1) predict that this variant may impact splicing by creating a novel cryptic acceptor splice site, consistent with the functional studies. Based on available information, the c.640-12G>A variant is considered to be likely pathogenic. References: Giefer MJ et al. Early-Onset Acute Recurrent and Chronic Pancreatitis Is Associated with PRSS1 or CTRC Gene Mutations. J Pediatr. 2017 Jul;186:95-100. PMID: 28502372. LaRusch J et al. The Common Chymotrypsinogen C (CTRC) Variant G60G (C.180T) Increases Risk of Chronic Pancreatitis But Not Recurrent Acute Pancreatitis in a North American Population. Clin Transl Gastroenterol. 2015 Jan 8;6:e68. PMID: 25569187. Masson E et al. Report of 2 CTRC Intronic Mutations Associated With Acute or Chronic Pancreatitis and Delineation of Their Pathogenic Molecular Mechanisms. Pancreas. 2015; 44(6):999-1001. PMID: 26166474.

Blueprint Genetics
Classification: Uncertain significance. Last evaluated: 2024-10-18. Review status: criteria provided, single submitter. Criteria: ACMG Guidelines, 2015. Collection method: clinical testing. Allele origin: germline.

Mendelics
Classification: Uncertain significance. Last evaluated: 2022-05-04. Review status: criteria provided, single submitter. Criteria: Mendelics Assertion Criteria 2019. Collection method: clinical testing. Allele origin: germline.

Sema4
Classification: Uncertain significance for Hereditary pancreatitis. Last evaluated: 2021-04-23. Review status: criteria provided, single submitter. Criteria: Sema4 Curation Guidelines. Collection method: curation. Allele origin: germline.
Comment: The CTRC c.640-12G>A variant has been reported in heterozygosity in at least four individuals with pancreatitis (PMID: 26166474, 28502372). Functional studies have shown that this variant alters normal splicing by introducing a cryptic splice site that results in the inclusion of the last 10bp of intron 6 into the mature transcript (PMID: 26166474). These findings are supported by in silico tools that suggest the variant impacts splicing. This variant was observed in 162/24920 chromosomes in the African population, with one homozygote, according to the Genome Aggregation Database (PMID: 32461654) and has been reported in ClinVar (Variation ID: 439575). The overall evidence is inconsistent with ACMG/AMP requirements for a classification of benign or pathogenic. In summary, the clinical significance of this variant is currently uncertain.

PreventionGenetics, part of Exact Sciences
Classification: Uncertain significance for CTRC-related condition. Last evaluated: 2024-03-25. Review status: no assertion criteria provided. Collection method: clinical testing. Allele origin: germline. Not counted in ClinVar's aggregate classification.
Comment: The CTRC c.640-12G>A variant is predicted to interfere with splicing. This variant has been reported in association with chronic pancreatitis (Masson et al. 2015. PubMed ID: 26166474; Giefer et al. 2017. PubMed ID: 28502372). Sequencing of RT-PCR products derived from patients harboring the c.640-12G>A variant revealed an aberrant mRNA transcript incorporating the last 10bp of intron 6 into exon 7, which is predicted to result in a frameshift and protein extension (Masson et al. 2015. PubMed ID: 26166474). This variant occurs relatively frequently in the gnomAD general population database, with a subpopulation allele frequency as high as 0.63% in Africans, including one homozygote, which is likely too common to be a highly penetrant cause of disease. While it is possible that this variant may contribute to chronic pancreatitis phenotypes with incomplete penetrance, at this time, the clinical significance of this variant is uncertain due to the absence of conclusive functional and genetic evidence.

Literature cited by the submitters: PubMed 25569187 (cited by Ambry Genetics); PubMed 26166474 (cited by Ambry Genetics and Sema4); PubMed 28502372 (cited by Ambry Genetics and Sema4).

NM_007272.3(CTRC):c.640-12G>A

Gene: CTRC (chymotrypsin C; plus strand). Cytogenetic location: 1p36.21.
Variant type: single nucleotide variant.
Coding change: c.640-12G>A on transcript NM_007272.3 (MANE Select); 12 bases into the intron before coding-DNA position 640, G replaced by A.
Molecular consequence: intron variant.
Genome position (GRCh38, 1-based): chr1:15,445,585, G>A. VCF-style: chr1-15445585-G-A. GRCh37 (hg19) VCF-style: chr1-15772080-G-A.
Identifiers: ClinVar variation 439575 (VCV000439575.25), dbSNP rs183053579, ClinGen allele CA613432.